The following is an entry in ClinVar:

ClinVar aggregate classification (germline): Uncertain significance (1 of 4 stars; one submission).

Conditions:
Spinal muscular atrophy (SMA). Identifiers: MedGen C0026847, MeSH D009134, MONDO:0001516, HP:0007269.

Allele frequency attached by ClinVar (database versions not stated): TOPMed below 0.00001; gnomAD 0.00001; gnomAD exomes 0.00002.
gnomAD v4.1: 28 of 1,613,040 alleles (0.0017%); highest among the groups gnomAD compares: Non-Finnish European, 0.0023%; 1 homozygote.

Submission:

Labcorp Genetics (formerly Invitae), Labcorp
Classification: Uncertain significance for Spinal muscular atrophy. Last evaluated: 2022-05-25. Review status: criteria provided, single submitter. Criteria: Invitae Variant Classification Sherloc (09022015). Collection method: clinical testing. Allele origin: germline.
Comment: In summary, the available evidence is currently insufficient to determine the role of this variant in disease. Therefore, it has been classified as a Variant of Uncertain Significance. Algorithms developed to predict the effect of missense changes on protein structure and function are either unavailable or do not agree on the potential impact of this missense change (SIFT: "Deleterious"; PolyPhen-2: "Benign"; Align-GVGD: "Class C0"). This variant has not been reported in the literature in individuals affected with SMN1-related conditions. The frequency data for this variant in the population databases (gnomAD) is considered unreliable due to the presence of homologous sequence, such as pseudogenes or paralogs, in the genome. This sequence change replaces arginine, which is basic and polar, with glycine, which is neutral and non-polar, at codon 288 of the SMN1 protein (p.Arg288Gly).

NM_000344.4(SMN1):c.862A>G (p.Arg288Gly)

Gene: SMN1 (survival of motor neuron 1, telomeric). Cytogenetic location: 5q13.2.
Variant type: single nucleotide variant.
Coding change: c.862A>G on transcript NM_000344.4 (MANE Select); coding-DNA position 862, A replaced by G.
Protein change: p.Arg288Gly; replaces arginine 288 with glycine.
Molecular consequence: missense variant. On other transcripts: intron variant (1).
Genome position (GRCh38, 1-based): chr5:70,951,968, A>G. VCF-style: chr5-70951968-A-G. GRCh37 (hg19) VCF-style: chr5-70247795-A-G.
Other names: c.766A>G, p.Arg256Gly (NM_022874.2); c.835-471A>G (NM_001297715.1); short protein forms R256G, R288G.
Identifiers: ClinVar variation 1949916 (VCV001949916.5), dbSNP rs1472645065, ClinGen allele CA360098334.